The following is an entry in ClinVar:

ClinVar aggregate classification (germline): Uncertain significance. Review status: criteria provided, multiple submitters, no conflicts (2 of 4 stars). 3 submissions from 3 submitters: Uncertain significance (3). Last evaluated 2025-05-28.

Conditions:
Optic atrophy 12. Also called: Optic Atrophy Type 12 (OPA12). Identifiers: MedGen C5436534, MONDO:0033549, OMIM 618977.
Inborn genetic diseases. Identifiers: MedGen C0950123, MeSH D030342.

Allele frequency attached by ClinVar (database versions not stated): gnomAD exomes below 0.00001 and 0.00002; ExAC 0.00001; gnomAD 0.00001 and 0.00002; TOPMed 0.00002.
gnomAD v4.1: 8 of 1,614,088 alleles (0.0005%); highest among the groups gnomAD compares: Admixed American, 0.01%; no homozygotes.

Submissions (3):

Ambry Genetics
Classification: Uncertain significance for Inborn genetic diseases. Last evaluated: 2025-05-28. Review status: criteria provided, single submitter. Criteria: Ambry Variant Classification Scheme 2023. Collection method: clinical testing. Allele origin: germline.

Labcorp Genetics (formerly Invitae), Labcorp
Classification: Uncertain significance. Last evaluated: 2022-10-26. Review status: criteria provided, single submitter. Criteria: Invitae Variant Classification Sherloc (09022015). Collection method: clinical testing. Allele origin: germline.
Comment: ClinVar contains an entry for this variant (Variation ID: 931039). This sequence change replaces leucine, which is neutral and non-polar, with proline, which is neutral and non-polar, at codon 677 of the AFG3L2 protein (p.Leu677Pro). This variant is present in population databases (rs778455371, gnomAD 0.01%). This variant has not been reported in the literature in individuals affected with AFG3L2-related conditions. Advanced modeling of protein sequence and biophysical properties (such as structural, functional, and spatial information, amino acid conservation, physicochemical variation, residue mobility, and thermodynamic stability) performed at Invitae indicates that this missense variant is not expected to disrupt AFG3L2 protein function. In summary, the available evidence is currently insufficient to determine the role of this variant in disease. Therefore, it has been classified as a Variant of Uncertain Significance.

Centre for Mendelian Genomics, University Medical Centre Ljubljana
Classification: Uncertain significance for Optic atrophy 12. Last evaluated: 2019-05-09. Review status: criteria provided, single submitter. Criteria: ACMG Guidelines, 2015. Collection method: clinical testing. Allele origin: unknown. Affected: yes.
Comment: This variant was classified as: Uncertain significance. The available evidence on this variant's pathogenicity is insufficient or conflicting. The following ACMG criteria were applied in classifying this variant: No criteria apply.

NM_006796.3(AFG3L2):c.2030T>C (p.Leu677Pro)

Gene: AFG3L2 (AFG3 like matrix AAA peptidase subunit 2; minus strand). Cytogenetic location: 18p11.21.
Variant type: single nucleotide variant.
Coding change: c.2030T>C on transcript NM_006796.3 (MANE Select); coding-DNA position 2030, T replaced by C.
Protein change: p.Leu677Pro; replaces leucine 677 with proline.
Molecular consequence: missense variant.
Genome position (GRCh38, 1-based): chr18:12,337,486, A>G on the plus strand (T>C on the coding strand, the complement: AFG3L2 is on the minus strand). VCF-style: chr18-12337486-A-G. GRCh37 (hg19) VCF-style: chr18-12337485-A-G.
Other names: short protein forms L677P.
Identifiers: ClinVar variation 931039 (VCV000931039.8), dbSNP rs778455371, ClinGen allele CA8896321.